The following is an entry in ClinVar:

ClinVar aggregate classification (germline): Likely benign (1 of 4 stars; one submission).

Submission:

CeGaT Center for Human Genetics Tuebingen
Classification: Likely benign. Last evaluated: 2025-05-01. Review status: criteria provided, single submitter. Criteria: CeGaT Center For Human Genetics Tuebingen Variant Classification Criteria Version 2. Collection method: clinical testing. Allele origin: germline. Affected: yes. Observed: 1 variant allele.
Comment: EIF2S3: BP4, BP7

NM_001415.4(EIF2S3):c.6G>A (p.Ala2=)

Genes: EIF2S3 (eukaryotic translation initiation factor 2 subunit gamma; plus strand), LOC130068055 (ATAC-STARR-seq lymphoblastoid active region 29496; plus strand). Cytogenetic location: Xp22.11.
Variant type: single nucleotide variant.
Coding change: c.6G>A on transcript NM_001415.4 (MANE Select); coding-DNA position 6, G replaced by A.
Protein change: p.Ala2=; no amino-acid change (alanine 2 retained).
Molecular consequence: synonymous variant.
Genome position (GRCh38, 1-based): chrX:24,054,974, G>A. VCF-style: chrX-24054974-G-A. GRCh37 (hg19) VCF-style: chrX-24073091-G-A.
Identifiers: ClinVar variation 3905263 (VCV003905263.10).